The following is an entry in ClinVar:

NM_000264.5(PTCH1):c.2827C>T (p.Pro943Ser)

Gene: PTCH1 (patched 1; minus strand). Cytogenetic location: 9q22.32.
Variant type: single nucleotide variant.
Coding change: c.2827C>T on transcript NM_000264.5 (MANE Select); coding-DNA position 2827, C replaced by T.
Protein change: p.Pro943Ser; replaces proline 943 with serine.
Molecular consequence: missense variant. On other transcripts: non-coding transcript variant (1).
Genome position (GRCh38, 1-based): chr9:95,459,660, G>A on the plus strand (C>T on the coding strand, the complement: PTCH1 is on the minus strand). VCF-style: chr9-95459660-G-A. GRCh37 (hg19) VCF-style: chr9-98221942-G-A.
Other names: c.2629C>T, p.Pro877Ser (NM_001083602.3); c.2824C>T, p.Pro942Ser (NM_001083603.3); c.2374C>T, p.Pro792Ser (NM_001083604.3, NM_001083605.3, NM_001083606.3 and 1 more transcripts); c.2671C>T, p.Pro891Ser (NM_001354918.2); short protein forms P792S, P943S, P877S, P942S, P891S.
Identifiers: ClinVar variation 2709214 (VCV002709214.3), dbSNP rs2136670918, ClinGen allele CA374112997.

ClinVar aggregate classification (germline): Uncertain significance (1 of 4 stars; one submission).

Conditions:
Gorlin syndrome. Also called: Nevoid Basal Cell Carcinoma Syndrome; Basal cell nevus syndrome. Identifiers: Orphanet 377, MedGen C0004779, MONDO:0007187.

Allele frequency attached by ClinVar (database versions not stated): gnomAD exomes below 0.00001.
gnomAD v4.1: 1 of 1,614,164 alleles (0.000062%); highest among the groups gnomAD compares: Non-Finnish European, 0.000085%; no homozygotes.

Submission:

Labcorp Genetics (formerly Invitae), Labcorp
Classification: Uncertain significance for Gorlin syndrome. Last evaluated: 2024-01-13. Review status: criteria provided, single submitter. Criteria: Invitae Variant Classification Sherloc (09022015). Collection method: clinical testing. Allele origin: germline.
Comment: This sequence change replaces proline, which is neutral and non-polar, with serine, which is neutral and polar, at codon 943 of the PTCH1 protein (p.Pro943Ser). This variant is not present in population databases (gnomAD no frequency). This variant has not been reported in the literature in individuals affected with PTCH1-related conditions. Advanced modeling of protein sequence and biophysical properties (such as structural, functional, and spatial information, amino acid conservation, physicochemical variation, residue mobility, and thermodynamic stability) has been performed at Invitae for this missense variant, however the output from this modeling did not meet the statistical confidence thresholds required to predict the impact of this variant on PTCH1 protein function. In summary, the available evidence is currently insufficient to determine the role of this variant in disease. Therefore, it has been classified as a Variant of Uncertain Significance.